The following is an entry in ClinVar:

NM_000276.4(OCRL):c.2680T>A (p.Phe894Ile)

Gene: OCRL (OCRL inositol polyphosphate-5-phosphatase; plus strand). Cytogenetic location: Xq26.1.
Variant type: single nucleotide variant.
Coding change: c.2680T>A on transcript NM_000276.4 (MANE Select); coding-DNA position 2680, T replaced by A.
Protein change: p.Phe894Ile; replaces phenylalanine 894 with isoleucine.
Molecular consequence: missense variant.
Genome position (GRCh38, 1-based): chrX:129,590,244, T>A. VCF-style: chrX-129590244-T-A. GRCh37 (hg19) VCF-style: chrX-128724221-T-A.
Other names: c.2683T>A, p.Phe895Ile (NM_001318784.2); c.2656T>A, p.Phe886Ile (NM_001587.4); short protein forms F894I, F886I, F895I.
Identifiers: ClinVar variation 624441 (VCV000624441.52), dbSNP rs147629352, ClinGen allele CA10512414.

ClinVar aggregate classification (germline): Conflicting classifications of pathogenicity. Review status: criteria provided, conflicting classifications (1 of 4 stars). 5 submissions from 5 submitters: Uncertain significance (1); Likely benign (3). 1 of the submissions does not count toward it. Last evaluated 2026-02-02.

Conditions:
OCRL-related disorder. Also called: OCRL-related condition.
Nephrolithiasis/nephrocalcinosis. Identifiers: MedGen CN580796.
Lowe syndrome (OCRL). Also called: PHOSPHATIDYLINOSITOL 4,5-BISPHOSPHATE 5-PHOSPHATASE DEFICIENCY; LOWE OCULOCEREBRORENAL SYNDROME; Oculocerebrorenal Syndrome. Identifiers: Orphanet 534, MedGen C0028860, MONDO:0010645, OMIM 309000.

Allele frequency attached by ClinVar (database versions not stated): gnomAD exomes 0.00007; ExAC 0.00008; gnomAD 0.00023 and 0.00024; 1000 Genomes Project 0.00026; TOPMed 0.00027; ESP Exome Variant Server 0.00038; 1000 Genomes Project 30x 0.00042.
gnomAD v4.1: 55 of 1,209,589 alleles (0.0045%); highest among the groups gnomAD compares: African/African-American, 0.095%; no homozygotes.

Submissions (5):

Labcorp Genetics (formerly Invitae), Labcorp
Classification: Likely benign for Lowe syndrome. Last evaluated: 2026-02-02. Review status: criteria provided, single submitter. Criteria: Invitae Variant Classification Sherloc (09022015). Collection method: clinical testing. Allele origin: germline.

Ambry Genetics
Classification: Likely benign for Nephrolithiasis/nephrocalcinosis. Last evaluated: 2023-12-09. Review status: criteria provided, single submitter. Criteria: Ambry Variant Classification Scheme 2023. Collection method: clinical testing. Allele origin: germline.

Genetic Services Laboratory, University of Chicago
Classification: Likely benign. Last evaluated: 2019-07-03. Review status: criteria provided, single submitter. Criteria: ACMG Guidelines, 2015. Collection method: clinical testing. Allele origin: germline. Affected: no.

CeGaT Center for Human Genetics Tuebingen
Classification: Uncertain significance. Last evaluated: 2018-06-01. Review status: criteria provided, single submitter. Criteria: CeGaT Center For Human Genetics Tuebingen Variant Classification Criteria Version 2. Collection method: clinical testing. Allele origin: germline. Affected: yes. Observed: 2 variant alleles.

PreventionGenetics, part of Exact Sciences
Classification: Likely benign for OCRL-related condition. Last evaluated: 2023-08-23. Review status: no assertion criteria provided. Collection method: clinical testing. Allele origin: germline. Not counted in ClinVar's aggregate classification.
Comment: This variant is classified as likely benign based on ACMG/AMP sequence variant interpretation guidelines (Richards et al. 2015 PMID: 25741868, with internal and published modifications).